The following is an entry in ClinVar:

NM_002435.3(MPI):c.969_970del (p.Phe324fs)

Gene: MPI (mannose phosphate isomerase; plus strand). Cytogenetic location: 15q24.1.
Variant type: Microsatellite.
Coding change: c.969_970del on transcript NM_002435.3 (MANE Select); coding-DNA positions 969 to 970, 2 bases deleted (CT; older notation c.969_970delCT).
Protein change: p.Phe324fs; shifts the reading frame from phenylalanine 324.
Molecular consequence: frameshift variant. On other transcripts: intron variant (1).
Genome position (GRCh38, 1-based): chr15:74,897,135-74,897,136, CT deleted; deleting any 2 consecutive bases within chr15:74,897,133-74,897,136 gives the same sequence; the c. name uses the placement nearest the transcript's 3' end. VCF-style (leftmost placement, unchanged base first): chr15-74897132-GCT-G. GRCh37 (hg19) VCF-style: chr15-75189473-GCT-G.
Other names: c.819_820del, p.Phe274fs (NM_001289156.2); c.786_787del, p.Phe263fs (NM_001289157.2); c.909_910del, p.Phe304fs (NM_001330372.2); c.845-377_845-376del (NM_001289155.2); c.969_970delCT (NM_002435.2); c.969_970del (NM_002435.2); short protein forms F263fs, F274fs, F324fs, F304fs.
Identifiers: ClinVar variation 2154686 (VCV002154686.6), dbSNP rs1276918786, ClinGen allele CA619127453.

ClinVar aggregate classification (germline): Pathogenic/Likely pathogenic. Review status: criteria provided, multiple submitters, no conflicts (2 of 4 stars). 3 submissions from 3 submitters: Pathogenic (1); Likely pathogenic (2). Last evaluated 2026-06-28.

Conditions:
MPI-related disorder. Also called: MPI-related condition.
MPI-congenital disorder of glycosylation. Also called: CONGENITAL DISORDER OF GLYCOSYLATION, TYPE Ib; CDG Ib; MPI-CDG; MANNOSEPHOSPHATE ISOMERASE DEFICIENCY; PROTEIN-LOSING ENTEROPATHY-HEPATIC FIBROSIS SYNDROME; MPI DEFICIENCY. Identifiers: Orphanet 79319, MedGen C1865145, MONDO:0011257, OMIM 602579.

Submissions (3):

PreventionGenetics, part of Exact Sciences
Classification: Likely pathogenic for MPI-related condition. Last evaluated: 2026-06-28. Review status: criteria provided, single submitter. Criteria: ACMG Guidelines, 2015. Collection method: clinical testing. Allele origin: germline.
Comment: The MPI c.969_970delCT variant is predicted to result in a frameshift and premature protein termination (p.Phe324Serfs*15). To our knowledge, this variant has not been reported in the literature. This variant is reported in 0.0058% of alleles in individuals of Latino descent in gnomAD. Frameshift variants in MPI are expected to be pathogenic. This variant is interpreted as likely pathogenic.

Natera, Inc.
Classification: Likely pathogenic for Congenital disorder of glycosylation type 1b. Last evaluated: 2024-11-18. Review status: criteria provided, single submitter. Criteria: Natera Variant Classification Schema (03/2026). Collection method: clinical testing. Allele origin: germline.
Comment: The c.969_970del variant in MPI is a frameshift variant predicted to shift the reading frame beginning at codon 324 and leads to a stop codon 15 codons downstream. This variant is expected to result in nonsense mediated decay, truncation, or a dysfunctional protein product. This variant is rare in the general population with a frequency below the threshold expected for the associated phenotype(s). Given the available evidence, this variant is classified as Likely Pathogenic.

Labcorp Genetics (formerly Invitae), Labcorp
Classification: Pathogenic for MPI-congenital disorder of glycosylation. Last evaluated: 2023-04-09. Review status: criteria provided, single submitter. Criteria: Invitae Variant Classification Sherloc (09022015). Collection method: clinical testing. Allele origin: germline.
Comment: For these reasons, this variant has been classified as Pathogenic. This variant disrupts a region of the MPI protein in which other variant(s) (p.Ile398Thr) have been determined to be pathogenic (PMID: 10484808, 30545931). This suggests that this is a clinically significant region of the protein, and that variants that disrupt it are likely to be disease-causing. This variant has not been reported in the literature in individuals affected with MPI-related conditions. This variant is present in population databases (no rsID available, gnomAD 0.006%). This sequence change creates a premature translational stop signal (p.Phe324Serfs*15) in the MPI gene. While this is not anticipated to result in nonsense mediated decay, it is expected to disrupt the last 100 amino acid(s) of the MPI protein.

Literature cited by the submitters: PubMed 10484808 (cited by Labcorp Genetics (formerly Invitae), Labcorp); PubMed 30545931 (cited by Labcorp Genetics (formerly Invitae), Labcorp).